The following is an entry in ClinVar:

NM_152594.3(SPRED1):c.713G>C (p.Ser238Thr)

Gene: SPRED1 (sprouty related EVH1 domain containing 1; plus strand). Cytogenetic location: 15q14.
Variant type: single nucleotide variant.
Coding change: c.713G>C on transcript NM_152594.3 (MANE Select); coding-DNA position 713, G replaced by C.
Protein change: p.Ser238Thr; replaces serine 238 with threonine.
Molecular consequence: missense variant.
Genome position (GRCh38, 1-based): chr15:38,351,042, G>C. VCF-style: chr15-38351042-G-C. GRCh37 (hg19) VCF-style: chr15-38643243-G-C.
Other names: short protein forms S238T.
Identifiers: ClinVar variation 4865010 (VCV004865010.1).

ClinVar aggregate classification (germline): Uncertain significance (1 of 4 stars; one submission).

Conditions:
Cardiovascular phenotype. Identifiers: MedGen CN230736.

Submission:

Ambry Genetics
Classification: Uncertain significance for Cardiovascular phenotype. Last evaluated: 2026-03-27. Review status: criteria provided, single submitter. Criteria: Ambry Variant Classification Scheme 2023. Collection method: clinical testing. Allele origin: germline.
Comment: The p.S238T variant (also known as c.713G>C), located in coding exon 7 of the SPRED1 gene, results from a G to C substitution at nucleotide position 713. The serine at codon 238 is replaced by threonine, an amino acid with similar properties. This amino acid position is conserved. In addition, this alteration is predicted to be tolerated by in silico analysis. Based on the available evidence, the clinical significance of this variant remains unclear.